The following is an entry in ClinVar:

NM_144670.6(A2ML1):c.4162C>A (p.Gln1388Lys)

Gene: A2ML1 (alpha-2-macroglobulin like 1; plus strand). Cytogenetic location: 12p13.31.
Variant type: single nucleotide variant.
Coding change: c.4162C>A on transcript NM_144670.6 (MANE Select); coding-DNA position 4162, C replaced by A.
Protein change: p.Gln1388Lys; replaces glutamine 1388 with lysine.
Molecular consequence: missense variant.
Genome position (GRCh38, 1-based): chr12:8,869,144, C>A. VCF-style: chr12-8869144-C-A. GRCh37 (hg19) VCF-style: chr12-9021740-C-A.
Other names: c.2689C>A, p.Gln897Lys (NM_001282424.3); short protein forms Q1388K, Q897K.
Identifiers: ClinVar variation 4869774 (VCV004869774.1).

ClinVar aggregate classification (germline): Uncertain significance (1 of 4 stars; one submission).

gnomAD v4.1: 9 of 1,613,944 alleles (0.00056%); highest among the groups gnomAD compares: Non-Finnish European, 0.00068%; no homozygotes.

Submission:

Ambry Genetics
Classification: Uncertain significance. Last evaluated: 2026-03-29. Review status: criteria provided, single submitter. Criteria: Ambry Variant Classification Scheme 2023. Collection method: clinical testing. Allele origin: germline.
Comment: The p.Q1388K variant (also known as c.4162C>A), located in coding exon 33 of the A2ML1 gene, results from a C to A substitution at nucleotide position 4162. The glutamine at codon 1388 is replaced by lysine, an amino acid with similar properties. This amino acid position is conserved. In addition, this alteration is predicted to be tolerated by in silico analysis. Based on the available evidence, the clinical significance of this variant remains unclear.